The following is an entry in ClinVar:

ClinVar aggregate classification (germline): Likely pathogenic (1 of 4 stars; one submission).

Conditions:
Lethal congenital contractural syndrome Finnish type.

Submission:

Natera, Inc.
Classification: Likely pathogenic for Lethal congenital contractural syndrome Finnish type. Last evaluated: 2024-06-18. Review status: criteria provided, single submitter. Criteria: Natera Variant Classification Schema (03/2026). Collection method: clinical testing. Allele origin: germline.
Comment: The c.1039A>T variant in GLE1 is a nonsense variant predicted to introduce a stop codon at amino acid 347. This variant is expected to result in nonsense mediated decay, truncation, or a dysfunctional protein product. This variant is rare in the general population with a frequency below the threshold expected for the associated phenotype(s). Given the available evidence, this variant is classified as Likely Pathogenic.

NM_001003722.2(GLE1):c.1039A>T (p.Lys347Ter)

Gene: GLE1 (GLE1 RNA export mediator; plus strand). Cytogenetic location: 9q34.11.
Variant type: single nucleotide variant.
Coding change: c.1039A>T on transcript NM_001003722.2 (MANE Select); coding-DNA position 1039, A replaced by T.
Protein change: p.Lys347Ter; replaces lysine 347 with a stop codon.
Molecular consequence: nonsense.
Genome position (GRCh38, 1-based): chr9:128,525,333, A>T. VCF-style: chr9-128525333-A-T. GRCh37 (hg19) VCF-style: chr9-131287612-A-T.
Other names: c.1039A>T, p.Lys347Ter (NM_001411013.1, NM_001499.2); short protein forms K347*.
Identifiers: ClinVar variation 4814488 (VCV004814488.1).